The following is an entry in ClinVar:

ClinVar aggregate classification (germline): Uncertain significance. Review status: criteria provided, multiple submitters, no conflicts (2 of 4 stars). 2 submissions from 2 submitters: Uncertain significance (2). Last evaluated 2023-09-01.

Allele frequency attached by ClinVar (database versions not stated): gnomAD exomes 0.00001; ExAC 0.00002; TOPMed 0.00005; gnomAD 0.00006.
gnomAD v4.1: 18 of 1,613,236 alleles (0.0011%); highest among the groups gnomAD compares: African/African-American, 0.019%; no homozygotes.

Submissions (2):

Women's Health and Genetics/Laboratory Corporation of America, LabCorp
Classification: Uncertain significance. Last evaluated: 2023-09-01. Review status: criteria provided, single submitter. Criteria: LabCorp Variant Classification Summary - May 2015. Collection method: clinical testing. Allele origin: germline.
Comment: Variant summary: GEMIN5 c.3337A>G (p.Ser1113Gly) results in a non-conservative amino acid change in the encoded protein sequence. Three of five in-silico tools predict a benign effect of the variant on protein function. The variant allele was found at a frequency of 1.6e-05 in 250836 control chromosomes. The available data on variant occurrences in the general population are insufficient to allow any conclusion about variant significance. To our knowledge, no occurrence of c.3337A>G in individuals affected with GEMIN5-Related Disorder and no experimental evidence demonstrating its impact on protein function have been reported. One submitter has cited clinical-significance assessments for this variant to ClinVar after 2014 and has classified the variant as uncertain significance. Based on the evidence outlined above, the variant was classified as uncertain significance.

GeneDx
Classification: Uncertain significance. Last evaluated: 2023-01-25. Review status: criteria provided, single submitter. Criteria: GeneDx Variant Classification Process June 2021. Collection method: clinical testing. Allele origin: germline. Affected: yes.
Comment: In silico analysis supports that this missense variant does not alter protein structure/function; Has not been previously published as pathogenic or benign to our knowledge

NM_015465.5(GEMIN5):c.3337A>G (p.Ser1113Gly)

Gene: GEMIN5 (gem nuclear organelle associated protein 5; minus strand). Cytogenetic location: 5q33.2.
Variant type: single nucleotide variant.
Coding change: c.3337A>G on transcript NM_015465.5 (MANE Select); coding-DNA position 3337, A replaced by G.
Protein change: p.Ser1113Gly; replaces serine 1113 with glycine.
Molecular consequence: missense variant.
Genome position (GRCh38, 1-based): chr5:154,898,448, T>C on the plus strand (A>G on the coding strand, the complement: GEMIN5 is on the minus strand). VCF-style: chr5-154898448-T-C. GRCh37 (hg19) VCF-style: chr5-154278008-T-C.
Other names: c.3334A>G, p.Ser1112Gly (NM_001252156.2); short protein forms S1112G, S1113G.
Identifiers: ClinVar variation 2574422 (VCV002574422.2), dbSNP rs751137422, ClinGen allele CA3528418.